The following is an entry in ClinVar:

NM_032888.4(COL27A1):c.1988C>T (p.Pro663Leu)

Gene: COL27A1 (collagen type XXVII alpha 1 chain; plus strand). Cytogenetic location: 9q32.
Variant type: single nucleotide variant.
Coding change: c.1988C>T on transcript NM_032888.4 (MANE Select); coding-DNA position 1988, C replaced by T.
Protein change: p.Pro663Leu; replaces proline 663 with leucine.
Molecular consequence: missense variant.
Genome position (GRCh38, 1-based): chr9:114,183,047, C>T. VCF-style: chr9-114183047-C-T. GRCh37 (hg19) VCF-style: chr9-116945327-C-T.
Other names: short protein forms P663L.
Identifiers: ClinVar variation 1499210 (VCV001499210.6), dbSNP rs1416870152, ClinGen allele CA374598413.
Genomic context (GRCh38, chr9:114,183,047, plus strand): 5'-CACCTTTTTTTGTTTTTGTTCCTTGTCTCTTTCAGGGTCCTCCTGGGCCTTATGGAAATC[C>T]AGGTCTCCCCGGCCCTCCTGGAGCCAAAGTGAGTATTTGCTGGAGATGTGGCCATGGAGT-3'
Protein context (NP_116277.2, residues 653-673): PRGPPGPYGN[Pro663Leu]GLPGPPGAKG

ClinVar aggregate classification (germline): Uncertain significance (1 of 4 stars; one submission).

Allele frequency attached by ClinVar (database versions not stated): gnomAD exomes below 0.00001.
gnomAD v4.1: 1 of 1,613,576 alleles (0.000062%); highest among the groups gnomAD compares: Admixed American, 0.0017%; no homozygotes.

Submission:

Labcorp Genetics (formerly Invitae), Labcorp
Classification: Uncertain significance. Last evaluated: 2022-10-24. Review status: criteria provided, single submitter. Criteria: Invitae Variant Classification Sherloc (09022015). Collection method: clinical testing. Allele origin: germline.
Comment: This sequence change replaces proline, which is neutral and non-polar, with leucine, which is neutral and non-polar, at codon 663 of the COL27A1 protein (p.Pro663Leu). This variant is present in population databases (no rsID available, gnomAD 0.003%). This variant has not been reported in the literature in individuals affected with COL27A1-related conditions. ClinVar contains an entry for this variant (Variation ID: 1499210). Advanced modeling of protein sequence and biophysical properties (such as structural, functional, and spatial information, amino acid conservation, physicochemical variation, residue mobility, and thermodynamic stability) performed at Invitae indicates that this missense variant is expected to disrupt COL27A1 protein function. In summary, the available evidence is currently insufficient to determine the role of this variant in disease. Therefore, it has been classified as a Variant of Uncertain Significance.